The following is an entry in ClinVar:

ClinVar aggregate classification (germline): Uncertain significance (1 of 4 stars; one submission).

Allele frequency attached by ClinVar (database versions not stated): TOPMed 0.00002.
gnomAD v4.1: 6 of 1,549,924 alleles (0.00039%); highest among the groups gnomAD compares: Admixed American, 0.0078%; no homozygotes.

Submission:

GeneDx
Classification: Uncertain significance. Last evaluated: 2023-03-17. Review status: criteria provided, single submitter. Criteria: GeneDx Variant Classification Process June 2021. Collection method: clinical testing. Allele origin: germline. Affected: yes.
Comment: In silico analysis supports that this missense variant has a deleterious effect on protein structure/function; Has not been previously published as pathogenic or benign to our knowledge

NM_001303052.2(MYT1L):c.2084A>G (p.Tyr695Cys)

Gene: MYT1L (myelin transcription factor 1 like; minus strand). Cytogenetic location: 2p25.3.
Variant type: single nucleotide variant.
Coding change: c.2084A>G on transcript NM_001303052.2 (MANE Select); coding-DNA position 2084, A replaced by G.
Protein change: p.Tyr695Cys; replaces tyrosine 695 with cysteine.
Molecular consequence: missense variant.
Genome position (GRCh38, 1-based): chr2:1,892,236, T>C on the plus strand (A>G on the coding strand, the complement: MYT1L is on the minus strand). VCF-style: chr2-1892236-T-C. GRCh37 (hg19) VCF-style: chr2-1896008-T-C.
Other names: c.2084A>G, p.Tyr695Cys (NM_001329844.2, NM_001329845.1, NM_001329851.3); c.2078A>G, p.Tyr693Cys (NM_001329846.3, NM_001329847.2, NM_001329848.1 and 3 more transcripts); short protein forms Y693C, Y695C.
Identifiers: ClinVar variation 2579925 (VCV002579925.1), dbSNP rs1218532574, ClinGen allele CA345712961.
Genomic context (GRCh38, chr2:1,892,236, plus strand): 5'-CACGTGCTGCTGGCGCTGCTGCCCCCGCCGCAGCTCAGGTTGCTGCTGCTGCTGGGCGCG[T>C]AGCTGCTGGTGCTGCTGCTGCTGGGGCTGGGGTCCTTGCAGTACCGCTTCGCTGGGGAGA-3'
Protein context (NP_001289981.1, residues 685-705): PSPSSSSTSS[Tyr695Cys]APSSSSNLSC